The following is an entry in ClinVar:

ClinVar aggregate classification (germline): Uncertain significance (1 of 4 stars; one submission).

Conditions:
Episodic ataxia type 2 (EA2). Also called: ATAXIA, EPISODIC, WITH NYSTAGMUS; ATAXIA, FAMILIAL PAROXYSMAL; ACETAZOLAMIDE-RESPONSIVE HEREDITARY PAROXYSMAL CEREBELLAR ATAXIA; CEREBELLAR ATAXIA, PAROXYSMAL, ACETAZOLAMIDE-RESPONSIVE; CEREBELLOPATHY, HEREDITARY PAROXYSMAL; EPISODIC ATAXIA, NYSTAGMUS-ASSOCIATED. Identifiers: Orphanet 97, MedGen C1720416, MONDO:0007163, OMIM 108500.
Developmental and epileptic encephalopathy, 42 (DEE42A). Also called: Epileptic encephalopathy, early infantile, 42; DEVELOPMENTAL AND EPILEPTIC ENCEPHALOPATHY 42A; EPILEPTIC ENCEPHALOPATHY, EARLY INFANTILE, 42A. Identifiers: MedGen C4310716, MONDO:0014917, OMIM 617106.

Submission:

Labcorp Genetics (formerly Invitae), Labcorp
Classification: Uncertain significance for Developmental and epileptic encephalopathy, 42; Episodic ataxia type 2. Last evaluated: 2024-02-14. Review status: criteria provided, single submitter. Criteria: Invitae Variant Classification Sherloc (09022015). Collection method: clinical testing. Allele origin: germline.
Comment: This sequence change falls in intron 24 of the CACNA1A gene. It does not directly change the encoded amino acid sequence of the CACNA1A protein. It affects a nucleotide within the consensus splice site. This variant is not present in population databases (gnomAD no frequency). This variant has not been reported in the literature in individuals affected with CACNA1A-related conditions. Variants that disrupt the consensus splice site are a relatively common cause of aberrant splicing (PMID: 17576681, 9536098). Algorithms developed to predict the effect of sequence changes on RNA splicing suggest that this variant may disrupt the consensus splice site. In summary, the available evidence is currently insufficient to determine the role of this variant in disease. Therefore, it has been classified as a Variant of Uncertain Significance.

Literature cited by the submitters: PubMed 17576681; PubMed 9536098.

NM_001127222.2(CACNA1A):c.3989+4A>G

Genes: CACNA1A (calcium voltage-gated channel subunit alpha1 A; minus strand), LOC126862865 (CDK7 strongly-dependent group 2 enhancer GRCh37_chr19:13385818-13387017; plus strand). Cytogenetic location: 19p13.13.
Variant type: single nucleotide variant.
Coding change: c.3989+4A>G on transcript NM_001127222.2 (MANE Select); 4 bases into the intron after coding-DNA position 3989, A replaced by G.
Molecular consequence: intron variant.
Genome position (GRCh38, 1-based): chr19:13,275,846, T>C on the plus strand (A>G on the coding strand, the complement: CACNA1A is on the minus strand). VCF-style: chr19-13275846-T-C. GRCh37 (hg19) VCF-style: chr19-13386660-T-C.
Other names: c.3992+4A>G (NM_001127221.2, NM_001174080.2); c.4001+4A>G (NM_000068.4, NM_023035.3).
Identifiers: ClinVar variation 3754634 (VCV003754634.2).